The following is an entry in ClinVar:

ClinVar aggregate classification (germline): Uncertain significance (1 of 4 stars; one submission).

Submission:

Mayo Clinic Laboratories, Mayo Clinic
Classification: Uncertain significance. Last evaluated: 2024-07-08. Review status: criteria provided, single submitter. Criteria: ACMG Guidelines, 2015. Collection method: clinical testing. Allele origin: germline. Observed: 1 variant allele.
Comment: PM2

NM_014855.3(AP5Z1):c.2098_2109dup (p.Thr703_Thr704insValLeuMetThr)

Gene: AP5Z1 (adaptor related protein complex 5 subunit zeta 1; plus strand). Cytogenetic location: 7p22.1.
Variant type: Duplication.
Coding change: c.2098_2109dup on transcript NM_014855.3 (MANE Select); coding-DNA positions 2098 to 2109, 12 bases duplicated (GTGCTGATGACC).
Protein change: p.Thr703_Thr704insValLeuMetThr.
Molecular consequence: non-coding transcript variant (on NR_157345.1).
Genome position (GRCh38, 1-based): chr7:4,790,832-4,790,843, GTGCTGATGACC duplicated; duplicating any 12 consecutive bases within chr7:4,790,829-4,790,843 gives the same sequence; the c. name uses the placement nearest the transcript's 3' end. VCF-style (leftmost placement, unchanged base first): chr7-4790828-C-CACCGTGCTGATG. GRCh37 (hg19) VCF-style: chr7-4830459-C-CACCGTGCTGATG.
Other names: p.Val700_Thr703dup; c.1630_1641dup, p.Thr547_Thr548insValLeuMetThr (NM_001364858.1).
Identifiers: ClinVar variation 3379739 (VCV003379739.1).